The following is an entry in ClinVar:

ClinVar aggregate classification (germline): Likely benign. Review status: criteria provided, multiple submitters, no conflicts (2 of 4 stars). 3 submissions from 3 submitters: Likely benign (3). Last evaluated 2025-09-26.

Conditions:
Syndromic multisystem autoimmune disease due to ITCH deficiency. Also called: AUTOIMMUNE DISEASE, MULTISYSTEM, WITH FACIAL DYSMORPHISM. Identifiers: Orphanet 228426, MedGen C3150649, MONDO:0013245, OMIM 613385.

Allele frequency attached by ClinVar (database versions not stated): gnomAD exomes 0.00007 and 0.00010; ESP Exome Variant Server 0.00008; ExAC 0.00009; gnomAD 0.00014; TOPMed 0.00022.
gnomAD v4.1: 126 of 1,612,688 alleles (0.0078%); highest among the groups gnomAD compares: Admixed American, 0.043%; no homozygotes.

Submissions (3):

Labcorp Genetics (formerly Invitae), Labcorp
Classification: Likely benign for Syndromic multisystem autoimmune disease due to ITCH deficiency. Last evaluated: 2025-09-26. Review status: criteria provided, single submitter. Criteria: Invitae Variant Classification Sherloc (09022015). Collection method: clinical testing. Allele origin: germline.

Mayo Clinic Laboratories, Mayo Clinic
Classification: Likely benign. Last evaluated: 2025-06-10. Review status: criteria provided, single submitter. Criteria: ACMG Guidelines, 2015. Collection method: clinical testing. Allele origin: germline. Observed: 1 variant allele.
Comment: BP4, BP7

Blueprint Genetics
Classification: Likely benign. Last evaluated: 2023-10-06. Review status: criteria provided, single submitter. Criteria: ACMG Guidelines, 2015. Collection method: clinical testing. Allele origin: germline.

NM_031483.7(ITCH):c.1032G>A (p.Thr344=)

Gene: ITCH (itchy E3 ubiquitin protein ligase; plus strand). Cytogenetic location: 20q11.22.
Variant type: single nucleotide variant.
Coding change: c.1032G>A on transcript NM_031483.7 (MANE Select); coding-DNA position 1032, G replaced by A.
Protein change: p.Thr344=; no amino-acid change (threonine 344 retained).
Molecular consequence: synonymous variant.
Genome position (GRCh38, 1-based): chr20:34,445,353, G>A. VCF-style: chr20-34445353-G-A. GRCh37 (hg19) VCF-style: chr20-33033158-G-A.
Other names: p.Thr344=; c.1155G>A, p.Thr385= (NM_001257137.3, NM_001324197.2); c.702G>A, p.Thr234= (NM_001257138.3); c.1032G>A, p.Thr344= (NM_001324198.2).
Identifiers: ClinVar variation 730696 (VCV000730696.12), dbSNP rs201221876, ClinGen allele CA9821549.